The following is an entry in ClinVar:

NM_033305.3(VPS13A):c.6494G>A (p.Trp2165Ter)

Gene: VPS13A (vacuolar protein sorting 13 homolog A; plus strand). Cytogenetic location: 9q21.2.
Variant type: single nucleotide variant.
Coding change: c.6494G>A on transcript NM_033305.3 (MANE Select); coding-DNA position 6494, G replaced by A.
Protein change: p.Trp2165Ter; replaces tryptophan 2165 with a stop codon.
Molecular consequence: nonsense.
Genome position (GRCh38, 1-based): chr9:77,339,631, G>A. VCF-style: chr9-77339631-G-A. GRCh37 (hg19) VCF-style: chr9-79954547-G-A.
Other names: c.6377G>A, p.Trp2126Ter (NM_001018037.2); c.6494G>A, p.Trp2165Ter (NM_001018038.3, NM_015186.4); short protein forms W2126*, W2165*.
Identifiers: ClinVar variation 4816413 (VCV004816413.2).
Genomic context (GRCh38, chr9:77,339,631, plus strand): 5'-CTGCACAGTTGGGTAAAGCCAGGCTACATTTAAAATTACTTGACTATCTCAATCACGATT[G>A]GAAAAGTGAATATCACATAAAGCCTAATCAGCAAGACATTAGTTTTGTCAGTTTTACTTG-3'

ClinVar aggregate classification (germline): Pathogenic/Likely pathogenic. Review status: criteria provided, multiple submitters, no conflicts (2 of 4 stars). 2 submissions from 2 submitters: Pathogenic (1); Likely pathogenic (1). Last evaluated 2025-08-07.

Conditions:
VPS13A-related neurodegenerative disease. Also called: ACANTHOCYTOSIS WITH NEUROLOGIC DISORDER; LEVINE-CRITCHLEY SYNDROME; Choreoacanthocytosis; Chorea-acanthocytosis; VPS13A Disease; Choreaacanthocytosis. Identifiers: Orphanet 2388, MedGen C0393576, MONDO:0008695, OMIM 200150.

Submissions (2):

Natera, Inc.
Classification: Likely pathogenic for Choreaacanthocytosis. Last evaluated: 2025-08-07. Review status: criteria provided, single submitter. Criteria: Natera Variant Classification Schema (03/2026). Collection method: clinical testing. Allele origin: germline.
Comment: The c.6494G>A variant in VPS13A is a nonsense variant predicted to introduce a stop codon at amino acid 2165. This variant is expected to result in nonsense mediated decay, truncation, or a dysfunctional protein product. This variant is rare in the general population with a frequency below the threshold expected for the associated phenotype(s). Given the available evidence, this variant is classified as Likely Pathogenic.

Myriad Genetics, Inc.
Classification: Pathogenic for VPS13A-related neurodegenerative disease. Last evaluated: 2024-05-14. Review status: criteria provided, single submitter. Criteria: Myriad Autosomal Dominant, Autosomal Recessive and X-Linked Classification Criteria (2023). Collection method: clinical testing. Allele origin: unknown.
Comment: NM_033305.2(VPS13A):c.6494G>A(W2165*) is expected to be pathogenic in the context of VPS13A disease. This variant is predicted to lead to an abnormal or absent protein product due to the creation of a premature termination codon in VPS13A, a gene where loss-of-function variants are known to be pathogenic. Please note: this variant was assessed in the context of healthy population screening.